The following is an entry in ClinVar:

NM_001035.3(RYR2):c.13763T>C (p.Ile4588Thr)

Gene: RYR2 (ryanodine receptor 2; plus strand). Cytogenetic location: 1q43.
Variant type: single nucleotide variant.
Coding change: c.13763T>C on transcript NM_001035.3 (MANE Select); coding-DNA position 13763, T replaced by C.
Protein change: p.Ile4588Thr; replaces isoleucine 4588 with threonine.
Molecular consequence: missense variant.
Genome position (GRCh38, 1-based): chr1:237,792,304, T>C. VCF-style: chr1-237792304-T-C. GRCh37 (hg19) VCF-style: chr1-237955604-T-C.
Other names: c.13763T>C, p.Ile4588Thr (LRG_402t1); short protein forms I4588T.
Identifiers: ClinVar variation 235052 (VCV000235052.14), dbSNP rs876661386, ClinGen allele CA10581135.

ClinVar aggregate classification (germline): Conflicting classifications of pathogenicity. Review status: criteria provided, conflicting classifications (1 of 4 stars). 3 submissions from 3 submitters: Pathogenic (2); Uncertain significance (1). Last evaluated 2026-05-26.

Conditions:
Cardiovascular phenotype. Identifiers: MedGen CN230736.
Catecholaminergic polymorphic ventricular tachycardia 1. Also called: VENTRICULAR TACHYCARDIA, CATECHOLAMINERGIC POLYMORPHIC, 1, WITH OR WITHOUT ATRIAL DYSFUNCTION AND/OR DILATED CARDIOMYOPATHY; RYR2-Related Catecholaminergic Polymorphic Ventricular Tachycardia; VENTRICULAR TACHYCARDIA, STRESS-INDUCED POLYMORPHIC 1. Identifiers: Orphanet 3286, MedGen C1631597, MONDO:0011484, OMIM 604772.

Submissions (3):

Ambry Genetics
Classification: Pathogenic for Cardiovascular phenotype. Last evaluated: 2026-05-26. Review status: criteria provided, single submitter. Criteria: Ambry Variant Classification Scheme 2023. Collection method: clinical testing. Allele origin: germline.
Comment: The p.I4588T pathogenic mutation (also known as c.13763T>C), located in coding exon 94 of the RYR2 gene, results from a T to C substitution at nucleotide position 13763. The isoleucine at codon 4588 is replaced by threonine, an amino acid with similar properties. This variant was reported in individual(s) with features consistent with RYR2-related ventricular arrhythmia; in at least one individual, it was determined to be de novo (Gerber DA et al. JACC Clin Electrophysiol, 2020 Jun;6:741-742; Mazzanti A et al. JAMA Cardiol, 2022 May;7:504-512; Shimamoto K et al. Heart, 2022 May;108:840-847; Neves R et al. J Am Coll Cardiol, 2023 Aug;82:603-611; external communication; Ambry internal data). This missense variant is located in a region that has a low rate of benign missense variation (Lek M et al. Nature. 2016 Aug 18;536(7616):285-91; DECIPHER: Database of Chromosomal Imbalance and Phenotype in Humans using Ensembl Resources. Firth H.V. et al. 2009. Am.J.Hum.Genet. 84, 524-533 (DOI)). This amino acid position is highly conserved in available vertebrate species. In addition, this alteration is predicted to be deleterious by in silico analysis. This variant is considered to be rare based on population cohorts in the Genome Aggregation Database (gnomAD). Based on the supporting evidence, this variant is interpreted as a disease-causing mutation.

Labcorp Genetics (formerly Invitae), Labcorp
Classification: Pathogenic for Catecholaminergic polymorphic ventricular tachycardia 1. Last evaluated: 2025-06-11. Review status: criteria provided, single submitter. Criteria: Invitae Variant Classification Sherloc (09022015). Collection method: clinical testing. Allele origin: germline.
Comment: This sequence change replaces isoleucine, which is neutral and non-polar, with threonine, which is neutral and polar, at codon 4588 of the RYR2 protein (p.Ile4588Thr). This variant is not present in population databases (gnomAD no frequency). This missense change has been observed in individual(s) with autosomal dominant RYR2-related disease (internal data). In at least one individual the variant was observed to be de novo. ClinVar contains an entry for this variant (Variation ID: 235052). Invitae Evidence Modeling of protein sequence and biophysical properties (such as structural, functional, and spatial information, amino acid conservation, physicochemical variation, residue mobility, and thermodynamic stability) indicates that this missense variant is expected to disrupt RYR2 protein function with a positive predictive value of 95%. For these reasons, this variant has been classified as Pathogenic.

Stanford Center for Inherited Cardiovascular Disease, Stanford University
Classification: Uncertain significance. Last evaluated: 2015-07-24. Review status: criteria provided, single submitter. Criteria: ACMG Guidelines, 2015. Collection method: provider interpretation. Allele origin: germline.

Literature cited by the submitters: PubMed 32553227 (cited by Ambry Genetics); PubMed 35135837 (cited by Ambry Genetics); PubMed 35353122 (cited by Ambry Genetics); PubMed 37558373 (cited by Ambry Genetics).